The following is an entry in ClinVar:

NM_003579.4(RAD54L):c.1253C>A (p.Pro418His)

Gene: RAD54L (RAD54 like; plus strand). Cytogenetic location: 1p34.1.
Variant type: single nucleotide variant.
Coding change: c.1253C>A on transcript NM_003579.4 (MANE Select); coding-DNA position 1253, C replaced by A.
Protein change: p.Pro418His; replaces proline 418 with histidine.
Molecular consequence: missense variant.
Genome position (GRCh38, 1-based): chr1:46,272,680, C>A. VCF-style: chr1-46272680-C-A. GRCh37 (hg19) VCF-style: chr1-46738352-C-A.
Other names: c.1253C>A, p.Pro418His (NM_001142548.2); c.713C>A, p.Pro238His (NM_001370766.1); short protein forms P238H, P418H.
Identifiers: ClinVar variation 3223401 (VCV003223401.1), dbSNP rs2525707780, ClinGen allele CA340179098.
Genomic context (GRCh38, chr1:46,272,680, plus strand): 5'-GAGGGCAGGAGGGTGGTCTAGCTTTTTCCACTGACCCAGCTGCCTTTTTTAGGCTGACAC[C>A]CCTTCAGACTGAGTTATACAAGAGGTTTCTGAGACAAGCCAAACCGGCAGAAGAATTGCT-3'
Protein context (NP_003570.2, residues 408-428): IEQVVCCRLT[Pro418His]LQTELYKRFL

ClinVar aggregate classification (germline): Uncertain significance (1 of 4 stars; one submission).

Submission:

Ambry Genetics
Classification: Uncertain significance. Last evaluated: 2024-03-08. Review status: criteria provided, single submitter. Criteria: Ambry Variant Classification Scheme 2023. Collection method: clinical testing. Allele origin: germline.
Comment: The p.P418H variant (also known as c.1253C>A), located in coding exon 12 of the RAD54L gene, results from a C to A substitution at nucleotide position 1253. The proline at codon 418 is replaced by histidine, an amino acid with similar properties. This amino acid position is conserved. In addition, the in silico prediction for this alteration is inconclusive. Based on the available evidence, the clinical significance of this alteration remains unclear.